The following is an entry in ClinVar:

NM_080680.3(COL11A2):c.237A>T (p.Gly79=)

Gene: COL11A2 (collagen type XI alpha 2 chain; minus strand). Cytogenetic location: 6p21.32.
Variant type: single nucleotide variant.
Coding change: c.237A>T on transcript NM_080680.3 (MANE Select); coding-DNA position 237, A replaced by T.
Protein change: p.Gly79=; no amino-acid change (glycine 79 retained).
Molecular consequence: synonymous variant. On other transcripts: 5 prime UTR variant (3), non-coding transcript variant (1).
Genome position (GRCh38, 1-based): chr6:33,189,184, T>A on the plus strand (A>T on the coding strand, the complement: COL11A2 is on the minus strand). VCF-style: chr6-33189184-T-A. GRCh37 (hg19) VCF-style: chr6-33156961-T-A.
Other names: c.237A>T, p.Gly79= (NM_001163771.2, NM_001424108.1, NM_080679.3 and 1 more transcripts); c.-610A>T (NM_001424109.1, NM_001424110.1, NM_001424111.1).
Identifiers: ClinVar variation 2900941 (VCV002900941.3), dbSNP rs1772793096, ClinGen allele CA449851471.

ClinVar aggregate classification (germline): Uncertain significance (1 of 4 stars; one submission).

Allele frequency attached by ClinVar (database versions not stated): gnomAD 0.00001; TOPMed 0.00001.
gnomAD v4.1: 1 of 1,613,446 alleles (0.000062%); highest among the groups gnomAD compares: Admixed American, 0.0017%; no homozygotes.

Submission:

Labcorp Genetics (formerly Invitae), Labcorp
Classification: Uncertain significance. Last evaluated: 2023-10-17. Review status: criteria provided, single submitter. Criteria: Invitae Variant Classification Sherloc (09022015). Collection method: clinical testing. Allele origin: germline.
Comment: This sequence change affects codon 79 of the COL11A2 mRNA. It is a 'silent' change, meaning that it does not change the encoded amino acid sequence of the COL11A2 protein. This variant is not present in population databases (gnomAD no frequency). This variant has not been reported in the literature in individuals affected with COL11A2-related conditions. Algorithms developed to predict the effect of sequence changes on RNA splicing suggest that this variant may create or strengthen a splice site. In summary, the available evidence is currently insufficient to determine the role of this variant in disease. Therefore, it has been classified as a Variant of Uncertain Significance.